The following is an entry in ClinVar:

ClinVar aggregate classification (germline): Uncertain significance (1 of 4 stars; one submission).

Conditions:
Intellectual disability, autosomal recessive 42 (NEDDSBA). Also called: Neurodevelopmental disorder with dysmorphic features, spasticity, and brain abnormalities; GLYCOSYLPHOSPHATIDYLINOSITOL BIOSYNTHESIS DEFECT 9. Identifiers: Orphanet 88616, MedGen C4014343, MONDO:0014348, OMIM 615802.

Allele frequency attached by ClinVar (database versions not stated): gnomAD 0.00001; ExAC 0.00002; TOPMed 0.00002; gnomAD exomes 0.00003.
gnomAD v4.1: 24 of 1,567,576 alleles (0.0015%); highest among the groups gnomAD compares: Non-Finnish European, 0.000087%; no homozygotes.

Submission:

Labcorp Genetics (formerly Invitae), Labcorp
Classification: Uncertain significance for Intellectual disability, autosomal recessive 42. Last evaluated: 2022-07-05. Review status: criteria provided, single submitter. Criteria: Invitae Variant Classification Sherloc (09022015). Collection method: clinical testing. Allele origin: germline.
Comment: Algorithms developed to predict the effect of missense changes on protein structure and function are either unavailable or do not agree on the potential impact of this missense change (SIFT: "Tolerated"; PolyPhen-2: "Probably Damaging"; Align-GVGD: "Class C0"). In summary, the available evidence is currently insufficient to determine the role of this variant in disease. Therefore, it has been classified as a Variant of Uncertain Significance. This sequence change replaces proline, which is neutral and non-polar, with serine, which is neutral and polar, at codon 851 of the PGAP1 protein (p.Pro851Ser). This variant is present in population databases (rs765007097, gnomAD 0.09%). This variant has not been reported in the literature in individuals affected with PGAP1-related conditions. ClinVar contains an entry for this variant (Variation ID: 1364518).

NM_024989.4(PGAP1):c.2551C>T (p.Pro851Ser)

Gene: PGAP1 (post-GPI attachment to proteins inositol deacylase 1; minus strand). Cytogenetic location: 2q33.1.
Variant type: single nucleotide variant.
Coding change: c.2551C>T on transcript NM_024989.4 (MANE Select); coding-DNA position 2551, C replaced by T.
Protein change: p.Pro851Ser; replaces proline 851 with serine.
Molecular consequence: missense variant.
Genome position (GRCh38, 1-based): chr2:196,842,800, G>A on the plus strand (C>T on the coding strand, the complement: PGAP1 is on the minus strand). VCF-style: chr2-196842800-G-A. GRCh37 (hg19) VCF-style: chr2-197707524-G-A.
Other names: c.2029C>T, p.Pro677Ser (NM_001321099.2); c.1384C>T, p.Pro462Ser (NM_001321100.2); short protein forms P851S, P677S, P462S.
Identifiers: ClinVar variation 1364518 (VCV001364518.6), dbSNP rs765007097, ClinGen allele CA2040597.